The following is an entry in ClinVar:

NM_000263.4(NAGLU):c.1021+1G>T

Gene: NAGLU (N-acetyl-alpha-glucosaminidase; plus strand). Cytogenetic location: 17q21.2.
Variant type: single nucleotide variant.
Coding change: c.1021+1G>T on transcript NM_000263.4 (MANE Select); the canonical splice donor site of the intron after coding-DNA position 1021, G replaced by T.
Molecular consequence: splice donor variant.
Genome position (GRCh38, 1-based): chr17:42,541,207, G>T. VCF-style: chr17-42541207-G-T. GRCh37 (hg19) VCF-style: chr17-40693225-G-T.
Identifiers: ClinVar variation 1339734 (VCV001339734.1), dbSNP rs1447465424, ClinGen allele CA399600429.

ClinVar aggregate classification (germline): Likely pathogenic (1 of 4 stars; one submission).

Conditions:
Mucopolysaccharidosis, MPS-III-B (MPS3B). Also called: MPS IIIB (Sanfilippo Syndrome Type B); N-ACETYL-ALPHA-D-GLUCOSAMINIDASE DEFICIENCY; NAGLU DEFICIENCY; MUCOPOLYSACCHARIDOSIS, TYPE IIIB; Mucopolysaccharidosis type IIIB (Sanfilippo B); SANFILIPPO SYNDROME B. Identifiers: Orphanet 79270, MedGen C0086648, MONDO:0009656, OMIM 252920.

Allele frequency attached by ClinVar (database versions not stated): gnomAD 0.00001.
gnomAD v4.1: 1 of 1,612,318 alleles (0.000062%); highest among the groups gnomAD compares: African/African-American, 0.0013%; no homozygotes.

Submission:

Women's Health and Genetics/Laboratory Corporation of America, LabCorp
Classification: Likely pathogenic for Mucopolysaccharidosis, MPS-III-B. Last evaluated: 2022-01-21. Review status: criteria provided, single submitter. Criteria: LabCorp Variant Classification Summary - May 2015. Collection method: clinical testing. Allele origin: germline.
Comment: Variant summary: NAGLU c.1021+1G>T is located in a canonical splice-site and is predicted to affect mRNA splicing resulting in a significantly altered protein due to either exon skipping, shortening, or inclusion of intronic material. Several computational tools predict a significant impact on normal splicing: Four predict the variant abolishes a canonical 5' splicing donor site. However, these predictions have yet to be confirmed by functional studies. The variant was absent in 249766 control chromosomes (gnomAD). To our knowledge, no occurrence of c.1021+1G>T in individuals affected with Mucopolysaccharidosis Type IIIB (Sanfilippo Syndrome B) and no experimental evidence demonstrating its impact on protein function have been reported. No clinical diagnostic laboratories have submitted clinical-significance assessments for this variant to ClinVar after 2014. Based on the evidence outlined above, the variant was classified as likely pathogenic.